The following is an entry in ClinVar:

NM_001164508.2(NEB):c.20465G>C (p.Trp6822Ser)

Gene: NEB (nebulin; minus strand). Cytogenetic location: 2q23.3.
Variant type: single nucleotide variant.
Coding change: c.20465G>C on transcript NM_001164508.2 (MANE Select); coding-DNA position 20465, G replaced by C.
Protein change: p.Trp6822Ser; replaces tryptophan 6822 with serine.
Molecular consequence: missense variant.
Genome position (GRCh38, 1-based): chr2:151,546,346, C>G on the plus strand (G>C on the coding strand, the complement: NEB is on the minus strand). VCF-style: chr2-151546346-C-G. GRCh37 (hg19) VCF-style: chr2-152402860-C-G.
Other names: c.20465G>C, p.Trp6822Ser (NM_001164507.2, NM_001271208.2); c.15362G>C, p.Trp5121Ser (NM_004543.5); short protein forms W5121S, W6822S.
Identifiers: ClinVar variation 1414785 (VCV001414785.3), dbSNP rs2153607705, ClinGen allele CA348780715.
Genomic context (GRCh38, chr2:151,546,346, plus strand): 5'-GTGATGGGGGCATCCAGCTGTGCGGGGGGTAATTATGCATTGTGATGATGTGCACTCACC[C>G]AGAGCTTCCGCAGGTGCCGGGAGCGGACCATGTCAGGAGTGTCATACAGGAAGCAGCCAA-3'
Protein context (NP_001157980.2, residues 6812-6832): MVRSRHLRKL[Trp6822Ser]SNYLYTDKAR

ClinVar aggregate classification (germline): Uncertain significance (1 of 4 stars; one submission).

Conditions:
Nemaline myopathy 2 (NEM2). Also called: Nemaline myopathy 2, autosomal recessive. Identifiers: MedGen C1850569, MONDO:0009725, OMIM 256030.

Submission:

Labcorp Genetics (formerly Invitae), Labcorp
Classification: Uncertain significance for Nemaline myopathy 2. Last evaluated: 2022-03-18. Review status: criteria provided, single submitter. Criteria: Invitae Variant Classification Sherloc (09022015). Collection method: clinical testing. Allele origin: germline.
Comment: This sequence change replaces tryptophan, which is neutral and slightly polar, with serine, which is neutral and polar, at codon 6822 of the NEB protein (p.Trp6822Ser). This variant is not present in population databases (gnomAD no frequency). This variant has not been reported in the literature in individuals affected with NEB-related conditions. Algorithms developed to predict the effect of missense changes on protein structure and function are either unavailable or do not agree on the potential impact of this missense change (SIFT: "Deleterious"; PolyPhen-2: "Not Available"; Align-GVGD: "Class C0"). In summary, the available evidence is currently insufficient to determine the role of this variant in disease. Therefore, it has been classified as a Variant of Uncertain Significance.